The following is an entry in ClinVar:

ClinVar aggregate classification (germline): Pathogenic/Likely pathogenic. Review status: criteria provided, multiple submitters, no conflicts (2 of 4 stars). 9 submissions from 9 submitters: Pathogenic (7); Likely pathogenic (2). Last evaluated 2026-09-23.

Conditions:
CLCN1-related disorder. Also called: CLCN1-related condition.
Congenital myotonia, autosomal recessive form. Also called: BECKER DISEASE; Becker Generalized Myotonia; myotonia congenita, autosomal recessive. Identifiers: Orphanet 614, MedGen C0751360, MONDO:0009715, OMIM 255700.
Congenital myotonia, autosomal dominant form (THD). Also called: THOMSEN DISEASE; Myotonia congenita autosomal dominant. Identifiers: Orphanet 614, MedGen C2936781, MONDO:0008055, OMIM 160800.

Allele frequency attached by ClinVar (database versions not stated): ESP Exome Variant Server 0.00008; gnomAD exomes 0.00001; gnomAD 0.00002; ExAC 0.00001; TOPMed 0.00002.
gnomAD v4.1: 17 of 1,613,764 alleles (0.0011%); highest among the groups gnomAD compares: African/African-American, 0.0027%; no homozygotes.

Submissions (9):

GeneDx
Classification: Pathogenic. Last evaluated: 2026-09-23. Review status: criteria provided, single submitter. Criteria: GeneDx Variant Classification Process June 2021. Collection method: clinical testing. Allele origin: germline.
Comment: Has been reported previously as a heterozygous variant along with another second variant (phase unknown) in patients with myotonia congenita in published literature (PMID: 24349310, 9736066, 17654559, 34529042); Has been reported as a single heterozygous variant in patients with myotonia congenita (PMID: 10533075, 17654559, 34529042); Has also been reported in other cases with myotonia congenita, however specifics about segregation or presence of a second variant were not specified in these reports (PMID: 28427807, 23113340, 29606556); Published functional studies demonstrate a damaging effect on the gating process (PMID: 12566541); In silico analysis supports that this missense variant has a deleterious effect on protein structure/function; Not observed at significant frequency in large population cohorts (gnomAD); This variant is associated with the following publications: (PMID: 25088311, 29606556, 24705798, 17654559, 32407401, 21221019, 32010054, 9736066, 31069529, 34529042, 23113340, 28427807, 38178268, 24349310, 10533075, 12566541, 40571342, 34789418, 36628841)

3billion
Classification: Pathogenic for CLCN1-related disorder. Last evaluated: 2025-09-16. Review status: criteria provided, single submitter. Criteria: ACMG Guidelines, 2015. Collection method: clinical testing. Allele origin: germline. Affected: yes.
Comment: The variant is observed at an extremely low frequency in the gnomAD v4.1.0 dataset (total allele frequency: 0.001%). Predicted Consequence/Location: Missense variant Functional studies provide moderate evidence of the variant having a damaging effect on the gene or gene product (PMID: 12566541). In silico tool predictions suggest damaging effect of the variant on gene or gene product [REVEL: 0.88 (>=0.6, sensitivity 0.68 and specificity 0.92); 3Cnet: 0.77 (> 0.75, sensitivity 0.96 and precision 0.92)]. The same nucleotide change resulting in the same amino acid change has been previously reported as pathogenic/likely pathogenic with strong evidence (ClinVar ID: VCV000021047 /PMID: 10533075). Therefore, this variant is classified as Pathogenic according to the recommendation of ACMG/AMP guideline.

Labcorp Genetics (formerly Invitae), Labcorp
Classification: Pathogenic for Congenital myotonia, autosomal recessive form; Congenital myotonia, autosomal dominant form. Last evaluated: 2024-10-29. Review status: criteria provided, single submitter. Criteria: Invitae Variant Classification Sherloc (09022015). Collection method: clinical testing. Allele origin: germline.
Comment: This sequence change replaces threonine, which is neutral and polar, with methionine, which is neutral and non-polar, at codon 268 of the CLCN1 protein (p.Thr268Met). This variant is present in population databases (rs80356687, gnomAD 0.005%). This missense change has been observed in individuals with autosomal dominant myotonia congenita and autosomal recessive myotonia congenita (PMID: 9736066, 10533075, 17654559, 21221019, 23113340, 24349310). It has also been observed to segregate with disease in related individuals. ClinVar contains an entry for this variant (Variation ID: 21047). Invitae Evidence Modeling of protein sequence and biophysical properties (such as structural, functional, and spatial information, amino acid conservation, physicochemical variation, residue mobility, and thermodynamic stability) indicates that this missense variant is expected to disrupt CLCN1 protein function with a positive predictive value of 95%. Experimental studies have shown that this missense change affects CLCN1 function (PMID: 12566541). For these reasons, this variant has been classified as Pathogenic.

Mayo Clinic Laboratories, Mayo Clinic
Classification: Pathogenic. Last evaluated: 2024-02-06. Review status: criteria provided, single submitter. Criteria: ACMG Guidelines, 2015. Collection method: clinical testing. Allele origin: germline. Observed: 1 variant allele.
Comment: PP1, PP3, PM3_strong, PS3, PS4

Revvity Omics, Revvity
Classification: Likely pathogenic. Last evaluated: 2021-02-11. Review status: criteria provided, single submitter. Criteria: ACMG Guidelines, 2015. Collection method: clinical testing. Allele origin: germline.

Fulgent Genetics
Classification: Pathogenic for Congenital myotonia, autosomal dominant form; Congenital myotonia, autosomal recessive form. Last evaluated: 2018-10-31. Review status: criteria provided, single submitter. Criteria: ACMG Guidelines, 2015. Collection method: clinical testing. Allele origin: unknown.

Athena Diagnostics
Classification: Pathogenic. Last evaluated: 2016-03-23. Review status: criteria provided, single submitter. Criteria: Athena Diagnostics Criteria. Collection method: clinical testing. Allele origin: germline.

Juno Genomics, Hangzhou Juno Genomics, Inc
Classification: Likely pathogenic for Congenital myotonia, autosomal dominant form; Congenital myotonia, autosomal recessive form. Review status: criteria provided, single submitter. Criteria: ACMG Guidelines, 2015. Collection method: clinical testing. Allele origin: germline.
Comment: Absent from controls (or at extremely low frequency if recessive) in Genome Aggregation Database.;Well-established in vitro or in vivo functional studies supportive of a damaging effect on the gene or gene product.;The prevalence of the variant in affected individuals is significantly increased compared to the prevalence in controls.;Patient's phenotype or family history is highly specific for a disease with a single genetic etiology.;For recessive disorders, detected in trans with a pathogenic variant.;Co-segregation with disease in multiple affected family members.

Lifecell International Pvt. Ltd
Classification: Pathogenic for Congenital myotonia, autosomal recessive form. Review status: criteria provided, single submitter. Criteria: ACMG Guidelines, 2015. Collection method: clinical testing. Allele origin: germline. Inheritance: Autosomal recessive inheritance. Affected: yes. Observed: 1 homozygote.
Comment: A Homozygote Missense variant c.803C>T in Exon 7 of the CLCN1 gene that results in the amino acid substitution p.Thr268Met was identified. The observed variant has a minor allele frequency of 0.00001/0.00003% in gnomAD exomes and genomes, respectively. The severity of the impact of this variant on the protein is medium, based on the effect of the protein and REVEL score . Rare Exome Variant Ensemble Learner (REVEL) is an ensembl method for predicting the pathogenicity of missense variants based on a combination of scores from 13 individual tools: MutPred, FATHMM v2.3, VEST 3.0, PolyPhen-2, SIFT, PROVEAN, MutationAssessor, MutationTaster, LRT, GERP++, SiPhy, phyloP, and phastCons. The REVEL score for an individual missense variant can range from 0 to 1, with higher scores reflecting greater likelihood that the variant is disease-causing. ClinVar has also classified this variant as Pathogenic and LikelyPathogenic (Variant ID: 21047). This variant has previously been reported for myotonia congnita (Brugnoni R et al., 1999). Based on the above evidence this variant has been classified as Pathogenic according to the ACMG guidelines.

Literature cited by the submitters: PubMed 12566541 (cited by 4 submitters); PubMed 10533075 (cited by 5 submitters); PubMed 9736066 (cited by 3 submitters); PubMed 17654559 (cited by 3 submitters); PubMed 21221019 (cited by Labcorp Genetics (formerly Invitae), Labcorp and Mayo Clinic Laboratories, Mayo Clinic); PubMed 23113340 (cited by Labcorp Genetics (formerly Invitae), Labcorp); PubMed 24349310 (cited by Labcorp Genetics (formerly Invitae), Labcorp and Mayo Clinic Laboratories, Mayo Clinic); PubMed 10452529 (cited by Mayo Clinic Laboratories, Mayo Clinic); PubMed 24705798 (cited by Mayo Clinic Laboratories, Mayo Clinic and Athena Diagnostics); PubMed 25088311 (cited by Mayo Clinic Laboratories, Mayo Clinic and Athena Diagnostics); PubMed 31069529 (cited by Mayo Clinic Laboratories, Mayo Clinic); PubMed 33246886 (cited by Mayo Clinic Laboratories, Mayo Clinic); PubMed 34529042 (cited by Mayo Clinic Laboratories, Mayo Clinic); PubMed 36628841 (cited by Mayo Clinic Laboratories, Mayo Clinic); PubMed 9883868 (cited by Mayo Clinic Laboratories, Mayo Clinic).

NM_000083.3(CLCN1):c.803C>T (p.Thr268Met)

Gene: CLCN1 (chloride voltage-gated channel 1; plus strand). Cytogenetic location: 7q34.
Variant type: single nucleotide variant.
Coding change: c.803C>T on transcript NM_000083.3 (MANE Select); coding-DNA position 803, C replaced by T.
Protein change: p.Thr268Met; replaces threonine 268 with methionine.
Molecular consequence: missense variant. On other transcripts: non-coding transcript variant (1).
Genome position (GRCh38, 1-based): chr7:143,324,442, C>T. VCF-style: chr7-143324442-C-T. GRCh37 (hg19) VCF-style: chr7-143021535-C-T.
Other names: short protein forms T268M.
Identifiers: ClinVar variation 21047 (VCV000021047.28), dbSNP rs80356687, ClinGen allele CA341551.